The following is an entry in ClinVar:

NM_000501.4(ELN):c.381G>A (p.Ala127=)

Gene: ELN (elastin; plus strand). Cytogenetic location: 7q11.23.
Variant type: single nucleotide variant.
Coding change: c.381G>A on transcript NM_000501.4 (MANE Select); coding-DNA position 381, G replaced by A.
Protein change: p.Ala127=; no amino-acid change (alanine 127 retained).
Molecular consequence: synonymous variant.
Genome position (GRCh38, 1-based): chr7:74,043,122, G>A. VCF-style: chr7-74043122-G-A. GRCh37 (hg19) VCF-style: chr7-73457452-G-A.
Other names: c.351G>A, p.Ala117= (NM_001081752.3, NM_001278917.2, NM_001278918.2); c.396G>A, p.Ala132= (NM_001081753.3, NM_001081754.3); c.381G>A, p.Ala127= (NM_001081755.3, NM_001278912.2, NM_001278915.2 and 2 more transcripts); c.345G>A, p.Ala115= (NM_001278913.2); c.366G>A, p.Ala122= (NM_001278914.2); c.381G>A (NM_000501.3).
Identifiers: ClinVar variation 1114743 (VCV001114743.13), dbSNP rs148216123, ClinGen allele CA4292465.

ClinVar aggregate classification (germline): Likely benign. Review status: criteria provided, multiple submitters, no conflicts (2 of 4 stars). 4 submissions from 4 submitters: Likely benign (3). 1 of the submissions does not count toward it. Last evaluated 2025-10-18.

Conditions:
ELN-related disorder.
Cutis laxa, autosomal dominant 1 (ADCL1). Also called: ELN-Related Cutis Laxa. Identifiers: Orphanet 90348, MedGen C3276539, MONDO:0007411, OMIM 123700. Disease mechanism: Dominant Negative.
Supravalvar aortic stenosis (SVAS). Also called: Supravalvar aortic stenosis, Eisenberg type. Identifiers: Orphanet 3193, MedGen C0003499, MONDO:0008504, OMIM 185500, HP:0004381.
Williams syndrome (WBS). Also called: CHROMOSOME 7q11.23 DELETION SYNDROME, 1.5- TO 1.8-MB; WILLIAMS-BEUREN SYNDROME. Identifiers: Orphanet 904, MedGen C0175702, MONDO:0008678, OMIM 194050. Disease mechanism: loss of function.

Allele frequency attached by ClinVar (database versions not stated): gnomAD exomes 0.00006; ExAC 0.00009; gnomAD 0.00017 and 0.00019; ESP Exome Variant Server 0.00023.
gnomAD v4.1: 99 of 1,613,316 alleles (0.0061%); highest among the groups gnomAD compares: African/African-American, 0.061%; no homozygotes.

Submissions (4):

Labcorp Genetics (formerly Invitae), Labcorp
Classification: Likely benign for Supravalvar aortic stenosis. Last evaluated: 2025-10-18. Review status: criteria provided, single submitter. Criteria: Invitae Variant Classification Sherloc (09022015). Collection method: clinical testing. Allele origin: germline.

Blueprint Genetics
Classification: Likely benign. Last evaluated: 2024-06-24. Review status: criteria provided, single submitter. Criteria: ACMG Guidelines, 2015. Collection method: clinical testing. Allele origin: germline.

Fulgent Genetics
Classification: Likely benign for Cutis laxa, autosomal dominant 1; Supravalvar aortic stenosis; Williams syndrome. Last evaluated: 2022-03-11. Review status: criteria provided, single submitter. Criteria: ACMG Guidelines, 2015. Collection method: clinical testing. Allele origin: unknown.

PreventionGenetics, part of Exact Sciences
Classification: Likely benign for ELN-related condition. Last evaluated: 2019-08-02. Review status: no assertion criteria provided. Collection method: clinical testing. Allele origin: germline. Not counted in ClinVar's aggregate classification.
Comment: This variant is classified as likely benign based on ACMG/AMP sequence variant interpretation guidelines (Richards et al. 2015 PMID: 25741868, with internal and published modifications).